The following is an entry in ClinVar:

ClinVar aggregate classification (germline): Pathogenic. Review status: criteria provided, multiple submitters, no conflicts (2 of 4 stars). 2 submissions from 2 submitters: Pathogenic (2). Last evaluated 2026-05-07.

Conditions:
Inborn genetic diseases. Identifiers: MedGen C0950123, MeSH D030342.

Submissions (2):

Ambry Genetics
Classification: Pathogenic for Inborn genetic diseases. Last evaluated: 2026-05-07. Review status: criteria provided, single submitter. Criteria: Ambry Variant Classification Scheme 2023. Collection method: clinical testing. Allele origin: germline.
Comment: The c.1215_1221delCTTAGAA (p.L406Ifs*14) alteration, located in exon 2 (coding exon 1) of the AMER1 gene, consists of a deletion of 7 nucleotides from position 1215 to 1221, causing a translational frameshift with a predicted alternate stop codon after 14 amino acids. This variant is not expected to trigger nonsense-mediated mRNA decay, and impacts the last 64% of the protein. However, premature stop codons are typically deleterious in nature and a significant portion of the protein is affected (Ambry internal data). This variant was not reported in population-based cohorts in the Genome Aggregation Database (gnomAD). Based on the available evidence, this alteration is classified as pathogenic.

Labcorp Genetics (formerly Invitae), Labcorp
Classification: Pathogenic. Last evaluated: 2021-08-27. Review status: criteria provided, single submitter. Criteria: Invitae Variant Classification Sherloc (09022015). Collection method: clinical testing. Allele origin: germline.

NM_152424.4(AMER1):c.1215_1221del (p.Leu406fs)

Gene: AMER1 (APC membrane recruitment protein 1; minus strand). Cytogenetic location: Xq11.2.
Variant type: Deletion.
Coding change: c.1215_1221del on transcript NM_152424.4 (MANE Select); coding-DNA positions 1215 to 1221, 7 bases deleted (CTTAGAA; older notation c.1215_1221delCTTAGAA).
Protein change: p.Leu406fs; shifts the reading frame from leucine 406.
Molecular consequence: frameshift variant.
Genome position (GRCh38, 1-based): chrX:64,192,066-64,192,072, TTCTAAG deleted on the plus strand (CTTAGAA on the coding strand, the reverse complement: AMER1 is on the minus strand); deleting any 7 consecutive bases within chrX:64,192,066-64,192,073 gives the same sequence; the c. name uses the placement nearest the transcript's 3' end. VCF-style (leftmost placement, unchanged base first): chrX-64192065-ATTCTAAG-A. GRCh37 (hg19) VCF-style: chrX-63411945-ATTCTAAG-A.
Other names: c.1215_1221delCTTAGAA (NM_152424.3); short protein forms L406fs.
Identifiers: ClinVar variation 945824 (VCV000945824.6), dbSNP rs1930259440, ClinGen allele CA1139667606.
Genomic context (GRCh38, chrX:64,192,065, plus strand): 5'-TGGGATGGTAGCCCAGGTTCATATTGGGCCGTGGATACATTTGGGCAGTTTCCCACAGAT[ATTCTAAG>A]TCATCATCTTCTTCCTCCTCCTTAACCTCCTCTTCTTCCTCCTCTAATTCCACCTCTTCT-3'